The following is an entry in ClinVar:

NM_018365.4(MNS1):c.1487G>T (p.Ter496Leu)

Genes: MNS1 (meiosis specific nuclear structural 1; minus strand), TEX9 (testis expressed 9; plus strand). Cytogenetic location: 15q21.3.
Variant type: single nucleotide variant.
Coding change: c.1487G>T on transcript NM_018365.4 (MANE Select); coding-DNA position 1487, G replaced by T.
Protein change: p.Ter496Leu.
Molecular consequence: stop lost. On other transcripts: 3 prime UTR variant (13), non-coding transcript variant (4), intron variant (3).
Genome position (GRCh38, 1-based): chr15:56,429,102, C>A on the plus strand (G>T on the coding strand, the complement: MNS1 is on the minus strand). VCF-style: chr15-56429102-C-A. GRCh37 (hg19) VCF-style: chr15-56721300-C-A.
Other names: *496L; c.*658C>A (NM_001385040.1, NM_001385041.1, NM_001385042.1 and 10 more transcripts); c.*29+629C>A (NM_001385043.1, NM_001286449.2, NM_198524.3).
Identifiers: ClinVar variation 737404 (VCV000737404.6), dbSNP rs115198725, ClinGen allele CA7579227.
Genomic context (GRCh38, chr15:56,429,102, plus strand): 5'-TATGCTGACATCTAGTGGTAACATGCAAAAAATCTATGCTTTACCCAATTTTGATGATAT[C>A]ATTTCTCTTCACAAATTTCACTCCTTTGTTGATATACTTTCCTGAACTCTTCACCAAGCA-3'

ClinVar aggregate classification (germline): Benign. Review status: criteria provided, single submitter (1 of 4 stars). 2 submissions from 2 submitters: Benign (1). 1 of the submissions does not count toward it. Last evaluated 2018-01-02.

Conditions:
MNS1-related disorder. Also called: MNS1-related condition.

Allele frequency attached by ClinVar (database versions not stated): gnomAD exomes 0.00028 and 0.00078; ExAC 0.00112; gnomAD 0.00336 and 0.00359; TOPMed 0.00377; 1000 Genomes Project 0.00379; ESP Exome Variant Server 0.00440; 1000 Genomes Project 30x 0.00468.
gnomAD v4.1: 924 of 1,578,010 alleles (0.059%); highest among the groups gnomAD compares: African/African-American, 1.2%; 4 homozygotes.

Submissions (2):

Labcorp Genetics (formerly Invitae), Labcorp
Classification: Benign. Last evaluated: 2018-01-02. Review status: criteria provided, single submitter. Criteria: Invitae Variant Classification Sherloc (09022015). Collection method: clinical testing. Allele origin: germline.

PreventionGenetics, part of Exact Sciences
Classification: Benign for MNS1-related condition. Last evaluated: 2020-09-25. Review status: no assertion criteria provided. Collection method: clinical testing. Allele origin: germline. Not counted in ClinVar's aggregate classification.
Comment: This variant is classified as benign based on ACMG/AMP sequence variant interpretation guidelines (Richards et al. 2015 PMID: 25741868, with internal and published modifications).